The following is an entry in ClinVar:

NM_000918.4(P4HB):c.574G>A (p.Val192Met)

Gene: P4HB (prolyl 4-hydroxylase subunit beta; minus strand). Cytogenetic location: 17q25.3.
Variant type: single nucleotide variant.
Coding change: c.574G>A on transcript NM_000918.4 (MANE Select); coding-DNA position 574, G replaced by A.
Protein change: p.Val192Met; replaces valine 192 with methionine.
Molecular consequence: missense variant.
Genome position (GRCh38, 1-based): chr17:81,855,192, C>T on the plus strand (G>A on the coding strand, the complement: P4HB is on the minus strand). VCF-style: chr17-81855192-C-T. GRCh37 (hg19) VCF-style: chr17-79813068-C-T.
Other names: c.574G>A (NM_000918.3); short protein forms V192M.
Identifiers: ClinVar variation 1435955 (VCV001435955.8), dbSNP rs1158109159, ClinGen allele CA401514942.
Genomic context (GRCh38, chr17:81,855,192, plus strand): 5'-GGCCACTCACCTTCTTAAAGAGGACAACCCCATCTTTGTCGAGCTGGTATTTGGAGAACA[C>T]GTCACTGTTGGAAGTGATCCCAAATGGTATGTCATCGATGGCCTCTGCTGCCTGCAAAAA-3'
Protein context (NP_000909.2, residues 182-202): IPFGITSNSD[Val192Met]FSKYQLDKDG

ClinVar aggregate classification (germline): Uncertain significance. Review status: criteria provided, multiple submitters, no conflicts (2 of 4 stars). 3 submissions from 3 submitters: Uncertain significance (3). Last evaluated 2024-05-15.

Conditions:
Inborn genetic diseases. Identifiers: MedGen C0950123, MeSH D030342.
Osteogenesis imperfecta (OI). Identifiers: Orphanet 666, MedGen C0029434, MeSH D010013, MONDO:0019019.

Allele frequency attached by ClinVar (database versions not stated): gnomAD 0.00001; gnomAD exomes 0.00001 and 0.00002; TOPMed 0.00003.

Submissions (3):

Ambry Genetics
Classification: Uncertain significance for Inborn genetic diseases. Last evaluated: 2024-05-15. Review status: criteria provided, single submitter. Criteria: Ambry Variant Classification Scheme 2023. Collection method: clinical testing. Allele origin: germline.

Labcorp Genetics (formerly Invitae), Labcorp
Classification: Uncertain significance. Last evaluated: 2022-01-03. Review status: criteria provided, single submitter. Criteria: Invitae Variant Classification Sherloc (09022015). Collection method: clinical testing. Allele origin: germline.
Comment: This variant is present in population databases (no rsID available, gnomAD 0.01%). Algorithms developed to predict the effect of missense changes on protein structure and function output the following: SIFT: "Tolerated"; PolyPhen-2: "Possibly Damaging"; Align-GVGD: "Class C0". The methionine amino acid residue is found in multiple mammalian species, which suggests that this missense change does not adversely affect protein function. This variant has not been reported in the literature in individuals affected with P4HB-related conditions. This sequence change replaces valine, which is neutral and non-polar, with methionine, which is neutral and non-polar, at codon 192 of the P4HB protein (p.Val192Met). In summary, the available evidence is currently insufficient to determine the role of this variant in disease. Therefore, it has been classified as a Variant of Uncertain Significance.

Cambridge Genomics Laboratory, East Genomic Laboratory Hub, NHS Genomic Medicine Service
Classification: Uncertain significance for Osteogenesis imperfecta. Last evaluated: 2019-07-11. Review status: criteria provided, single submitter. Criteria: ACGS Best Practice Guidelines for Variant Classification in Rare Disease 2020. Collection method: clinical testing. Allele origin: germline. Affected: yes. Observed: 1 variant allele.